The following is an entry in ClinVar:

NM_000388.4(CASR):c.523A>T (p.Ser175Cys)

Gene: CASR (calcium sensing receptor; plus strand). Cytogenetic location: 3q21.1.
Variant type: single nucleotide variant.
Coding change: c.523A>T on transcript NM_000388.4 (MANE Select); coding-DNA position 523, A replaced by T.
Protein change: p.Ser175Cys; replaces serine 175 with cysteine.
Molecular consequence: missense variant.
Genome position (GRCh38, 1-based): chr3:122,261,558, A>T. VCF-style: chr3-122261558-A-T. GRCh37 (hg19) VCF-style: chr3-121980405-A-T.
Other names: c.523A>T, p.Ser175Cys (NM_001178065.2); short protein forms S175C.
Identifiers: ClinVar variation 3231578 (VCV003231578.1), dbSNP rs2107631742, ClinGen allele CA354150768.
Genomic context (GRCh38, chr3:122,261,558, plus strand): 5'-CTCATTCACCATGTTCTTGGTTCTCTCCAGGTCAGTTATGCCTCCTCCAGCAGACTCCTC[A>T]GCAACAAGAATCAATTCAAGTCTTTCCTCCGAACCATCCCCAATGATGAGCACCAGGCCA-3'
Protein context (NP_000379.3, residues 165-185): VSYASSSRLL[Ser175Cys]NKNQFKSFLR

ClinVar aggregate classification (germline): Uncertain significance (1 of 4 stars; one submission).

Conditions:
Nephrolithiasis/nephrocalcinosis. Identifiers: MedGen CN580796.

Submission:

Ambry Genetics
Classification: Uncertain significance for Nephrolithiasis/nephrocalcinosis. Last evaluated: 2023-10-19. Review status: criteria provided, single submitter. Criteria: Ambry Variant Classification Scheme 2023. Collection method: clinical testing. Allele origin: germline.
Comment: The p.S175C variant (also known as c.523A>T), located in coding exon 3 of the CASR gene, results from an A to T substitution at nucleotide position 523. The serine at codon 175 is replaced by cysteine, an amino acid with dissimilar properties. This amino acid position is conserved. In addition, this alteration is predicted to be deleterious by in silico analysis. Since supporting evidence is limited at this time, the clinical significance of this alteration remains unclear.